The following is an entry in ClinVar:

NM_001211.6(BUB1B):c.2601G>C (p.Leu867Phe)

Gene: BUB1B (BUB1 mitotic checkpoint serine/threonine kinase B; plus strand). Cytogenetic location: 15q15.1.
Variant type: single nucleotide variant.
Coding change: c.2601G>C on transcript NM_001211.6 (MANE Select); coding-DNA position 2601, G replaced by C.
Protein change: p.Leu867Phe; replaces leucine 867 with phenylalanine.
Molecular consequence: missense variant.
Genome position (GRCh38, 1-based): chr15:40,213,397, G>C. VCF-style: chr15-40213397-G-C. GRCh37 (hg19) VCF-style: chr15-40505598-G-C.
Other names: short protein forms L867F.
Identifiers: ClinVar variation 2624690 (VCV002624690.2), dbSNP rs2542577005, ClinGen allele CA391686236.

ClinVar aggregate classification (germline): Uncertain significance (1 of 4 stars; one submission).

Conditions:
Inborn genetic diseases. Identifiers: MedGen C0950123, MeSH D030342.

Allele frequency attached by ClinVar (database versions not stated): gnomAD exomes below 0.00001.
gnomAD v4.1: 1 of 1,613,836 alleles (0.000062%); highest among the groups gnomAD compares: Non-Finnish European, 0.000085%; no homozygotes.

Submission:

Ambry Genetics
Classification: Uncertain significance for Inborn genetic diseases. Last evaluated: 2023-08-25. Review status: criteria provided, single submitter. Criteria: Ambry Variant Classification Scheme 2023. Collection method: clinical testing. Allele origin: germline.
Comment: The p.L867F variant (also known as c.2601G>C), located in coding exon 20 of the BUB1B gene, results from a G to C substitution at nucleotide position 2601. The leucine at codon 867 is replaced by phenylalanine, an amino acid with highly similar properties. This amino acid position is conserved. In addition, the in silico prediction for this alteration is inconclusive. Since supporting evidence is limited at this time, the clinical significance of this alteration remains unclear.